The following is an entry in ClinVar:

NM_001042492.3(NF1):c.81_88del (p.Gln27fs)

Gene: NF1 (neurofibromin 1; plus strand). Cytogenetic location: 17q11.2.
Variant type: Deletion.
Coding change: c.81_88del on transcript NM_001042492.3 (MANE Select); coding-DNA positions 81 to 88, 8 bases deleted (GCAGAACA; older notation c.81_88delGCAGAACA).
Protein change: p.Gln27fs; shifts the reading frame from glutamine 27.
Molecular consequence: frameshift variant.
Genome position (GRCh38, 1-based): chr17:31,156,003-31,156,010, GCAGAACA deleted; deleting any 8 consecutive bases within chr17:31,156,000-31,156,010 gives the same sequence; the c. name uses the placement nearest the transcript's 3' end. VCF-style (leftmost placement, unchanged base first): chr17-31155999-GACAGCAGA-G. GRCh37 (hg19) VCF-style: chr17-29483017-GACAGCAGA-G.
Other names: c.81_88del, p.Gln27fs (NM_000267.4, NM_001128147.3); short protein forms Q27fs.
Identifiers: ClinVar variation 4716558 (VCV004716558.1).

ClinVar aggregate classification (germline): Pathogenic (1 of 4 stars; one submission).

Conditions:
Neurofibromatosis, type 1 (NF1). Also called: NEUROFIBROMATOSIS, TYPE I, SOMATIC; VON RECKLINGHAUSEN DISEASE; Peripheral type neurofibromatosis; Neurofibromatosis, type I. Identifiers: Orphanet 636, MedGen C0027831, MONDO:0018975, OMIM 162200. Disease mechanism: loss of function.

Submission:

Labcorp Genetics (formerly Invitae), Labcorp
Classification: Pathogenic for Neurofibromatosis, type 1. Last evaluated: 2025-04-02. Review status: criteria provided, single submitter. Criteria: Invitae Variant Classification Sherloc (09022015). Collection method: clinical testing. Allele origin: germline.
Comment: This sequence change creates a premature translational stop signal (p.Gln27Hisfs*8) in the NF1 gene. It is expected to result in an absent or disrupted protein product. Loss-of-function variants in NF1 are known to be pathogenic (PMID: 10712197, 23913538). This variant is not present in population databases (gnomAD no frequency). This variant has not been reported in the literature in individuals affected with NF1-related conditions. For these reasons, this variant has been classified as Pathogenic.

Literature cited by the submitters: PubMed 10712197; PubMed 23913538.